The following is an entry in ClinVar:

ClinVar aggregate classification (germline): Likely benign. Review status: criteria provided, multiple submitters, no conflicts (2 of 4 stars). 2 submissions from 2 submitters: Likely benign (2). Last evaluated 2025-03-01.

Allele frequency attached by ClinVar (database versions not stated): gnomAD exomes below 0.00001; TOPMed below 0.00001; gnomAD 0.00001.
gnomAD v4.1: 3 of 1,614,064 alleles (0.00019%); highest among the groups gnomAD compares: Admixed American, 0.0017%; no homozygotes.

Submissions (2):

CeGaT Center for Human Genetics Tuebingen
Classification: Likely benign. Last evaluated: 2025-03-01. Review status: criteria provided, single submitter. Criteria: CeGaT Center For Human Genetics Tuebingen Variant Classification Criteria Version 2. Collection method: clinical testing. Allele origin: germline. Affected: yes. Observed: 1 variant allele.
Comment: ARFGEF2: BP4, BP7

Labcorp Genetics (formerly Invitae), Labcorp
Classification: Likely benign. Last evaluated: 2024-05-26. Review status: criteria provided, single submitter. Criteria: Invitae Variant Classification Sherloc (09022015). Collection method: clinical testing. Allele origin: germline.

NM_006420.3(ARFGEF2):c.3174A>G (p.Glu1058=)

Gene: ARFGEF2 (ARF guanine nucleotide exchange factor 2; plus strand). Cytogenetic location: 20q13.13.
Variant type: single nucleotide variant.
Coding change: c.3174A>G on transcript NM_006420.3 (MANE Select); coding-DNA position 3174, A replaced by G.
Protein change: p.Glu1058=; no amino-acid change (glutamic acid 1058 retained).
Molecular consequence: synonymous variant.
Genome position (GRCh38, 1-based): chr20:48,995,835, A>G. VCF-style: chr20-48995835-A-G. GRCh37 (hg19) VCF-style: chr20-47612372-A-G.
Other names: c.3171A>G, p.Glu1057= (NM_001410846.1).
Identifiers: ClinVar variation 2036979 (VCV002036979.11), dbSNP rs959919164, ClinGen allele CA315889012.
Genomic context (GRCh38, chr20:48,995,835, plus strand): 5'-TGTTTCAGGTAATTTGGTGAGTGGCGGAGTGGATAAAAGACAGATGGCCAGCTTCCAAGA[A>G]TCGGTTGGTGAGACCAGCTCGCAGAGTGTGGTTGTAGCTGTGGACAGGTAATGATTTTAT-3'
Protein context (NP_006411.2, residues 1048-1068): VDKRQMASFQ[Glu1058=]SVGETSSQSV